The following is an entry in ClinVar:

ClinVar aggregate classification (germline): Likely pathogenic (1 of 4 stars; one submission).

Conditions:
Stickler syndrome. Identifiers: Orphanet 828, MedGen C0265253, MONDO:0019354.

Submission:

Cambridge Genomics Laboratory, East Genomic Laboratory Hub, NHS Genomic Medicine Service
Classification: Likely pathogenic for Stickler syndrome. Last evaluated: 2026-04-07. Review status: criteria provided, single submitter. Criteria: ACGS Best Practice Guidelines for Variant Classification in Rare Disease 2020. Collection method: clinical testing. Allele origin: germline. Affected: yes.
Comment: PM1_Strong,PM2,PP3

NM_001844.5(COL2A1):c.718G>T (p.Gly240Cys)

Gene: COL2A1 (collagen type II alpha 1 chain; minus strand). Cytogenetic location: 12q13.11.
Variant type: single nucleotide variant.
Coding change: c.718G>T on transcript NM_001844.5 (MANE Select); coding-DNA position 718, G replaced by T.
Protein change: p.Gly240Cys; replaces glycine 240 with cysteine.
Molecular consequence: missense variant.
Genome position (GRCh38, 1-based): chr12:47,995,299, C>A on the plus strand (G>T on the coding strand, the complement: COL2A1 is on the minus strand). VCF-style: chr12-47995299-C-A. GRCh37 (hg19) VCF-style: chr12-48389082-C-A.
Other names: c.511G>T, p.Gly171Cys (NM_033150.3); short protein forms G171C, G240C.
Identifiers: ClinVar variation 4820254 (VCV004820254.1).